The following is an entry in ClinVar:

ClinVar aggregate classification (germline): Uncertain significance (1 of 4 stars; one submission).

gnomAD v4.1: 1 of 1,574,324 alleles (0.000064%); highest among the groups gnomAD compares: Non-Finnish European, 0.000086%; no homozygotes.

Submission:

Labcorp Genetics (formerly Invitae), Labcorp
Classification: Uncertain significance. Last evaluated: 2025-06-17. Review status: criteria provided, single submitter. Criteria: Invitae Variant Classification Sherloc (09022015). Collection method: clinical testing. Allele origin: germline.
Comment: This sequence change replaces serine, which is neutral and polar, with threonine, which is neutral and polar, at codon 36 of the NLRP1 protein (p.Ser36Thr). This variant is not present in population databases (gnomAD no frequency). This variant has not been reported in the literature in individuals affected with NLRP1-related conditions. ClinVar contains an entry for this variant (Variation ID: 3698034). An algorithm developed to predict the effect of missense changes on protein structure and function (PolyPhen-2) suggests that this variant is likely to be tolerated. In summary, the available evidence is currently insufficient to determine the role of this variant in disease. Therefore, it has been classified as a Variant of Uncertain Significance.

NM_033004.4(NLRP1):c.107G>C (p.Ser36Thr)

Genes: NLRP1 (NLR family pyrin domain containing 1; minus strand), LOC126862475 (CDK7 strongly-dependent group 2 enhancer GRCh37_chr17:5487167-5488366; plus strand). Cytogenetic location: 17p13.2.
Variant type: single nucleotide variant.
Coding change: c.107G>C on transcript NM_033004.4 (MANE Select); coding-DNA position 107, G replaced by C.
Protein change: p.Ser36Thr; replaces serine 36 with threonine.
Molecular consequence: missense variant.
Genome position (GRCh38, 1-based): chr17:5,583,851, C>G on the plus strand (G>C on the coding strand, the complement: NLRP1 is on the minus strand). VCF-style: chr17-5583851-C-G. GRCh37 (hg19) VCF-style: chr17-5487171-C-G.
Other names: c.107G>C, p.Ser36Thr (NM_033006.4, NM_033007.4, NM_001033053.3 and 1 more transcripts); short protein forms S36T.
Identifiers: ClinVar variation 3698034 (VCV003698034.2).